The following is an entry in ClinVar:

NM_001371279.1(REEP1):c.806C>T (p.Ser269Phe)

Gene: REEP1 (receptor accessory protein 1; minus strand). Cytogenetic location: 2p11.2.
Variant type: single nucleotide variant.
Coding change: c.806C>T on transcript NM_001371279.1 (MANE Select); coding-DNA position 806, C replaced by T.
Protein change: p.Ser269Phe; replaces serine 269 with phenylalanine.
Molecular consequence: missense variant. On other transcripts: 3 prime UTR variant (3).
Genome position (GRCh38, 1-based): chr2:86,217,088, G>A on the plus strand (C>T on the coding strand, the complement: REEP1 is on the minus strand). VCF-style: chr2-86217088-G-A. GRCh37 (hg19) VCF-style: chr2-86444211-G-A.
Other names: c.*12C>T (NM_001164730.2, NM_001164731.2, NM_022912.3); c.383C>T, p.Ser128Phe (NM_001164732.2); c.440C>T, p.Ser147Phe (NM_001371280.1); short protein forms S128F, S147F, S269F.
Identifiers: ClinVar variation 1679487 (VCV001679487.31), dbSNP rs200537429, ClinGen allele CA1748661.

ClinVar aggregate classification (germline): Uncertain significance. Review status: criteria provided, multiple submitters, no conflicts (2 of 4 stars). 2 submissions from 2 submitters: Uncertain significance (2). Last evaluated 2022-06-01.

Allele frequency attached by ClinVar (database versions not stated): TOPMed 0.00002; gnomAD 0.00003; ExAC 0.00004; gnomAD exomes 0.00004 and 0.00005; ESP Exome Variant Server 0.00015.
gnomAD v4.1: 70 of 1,614,000 alleles (0.0043%); highest among the groups gnomAD compares: Non-Finnish European, 0.0058%; no homozygotes.

Submissions (2):

CeGaT Center for Human Genetics Tuebingen
Classification: Uncertain significance. Last evaluated: 2022-06-01. Review status: criteria provided, single submitter. Criteria: CeGaT Center For Human Genetics Tuebingen Variant Classification Criteria Version 2. Collection method: clinical testing. Allele origin: germline. Affected: yes. Observed: 1 variant allele.
Comment: REEP1: PP3

ARUP Laboratories, Molecular Genetics and Genomics, ARUP Laboratories
Classification: Uncertain significance. Last evaluated: 2022-01-27. Review status: criteria provided, single submitter. Criteria: ARUP Molecular Germline Variant Investigation Process 2021. Collection method: clinical testing. Allele origin: germline.
Comment: The REEP1 c.440C>T; p.Ser147Phe variant (rs200537429), to our knowledge, is not reported in the medical literature or gene specific databases. This variant is found in the Non-Finnish European population with an allele frequency of 0.0095% (12/126792 alleles) in the Genome Aggregation Database. The serine at codon 147 is weakly conserved, but computational analyses are uncertain whether this variant is neutral or deleterious (REVEL: 0.343). Due to limited information, the clinical significance of the p.Ser147Phe variant is uncertain at this time.